The following is an entry in ClinVar:

NM_002890.3(RASA1):c.2648_2655del (p.His883fs)

Genes: CCNH (cyclin H; minus strand), RASA1 (RAS p21 protein activator 1; plus strand). Cytogenetic location: 5q14.3.
Variant type: Deletion.
Coding change: c.2648_2655del on transcript NM_002890.3 (MANE Select); coding-DNA positions 2648 to 2655, 8 bases deleted (ATAAGTGG; older notation c.2648_2655delATAAGTGG).
Protein change: p.His883fs; shifts the reading frame from histidine 883.
Molecular consequence: frameshift variant. On other transcripts: intron variant (1).
Genome position (GRCh38, 1-based): chr5:87,380,553-87,380,560, ATAAGTGG deleted. VCF-style (leftmost placement, unchanged base first): chr5-87380552-CATAAGTGG-C. GRCh37 (hg19) VCF-style: chr5-86676369-CATAAGTGG-C.
Other names: c.2117_2124del, p.His706fs (NM_022650.3); c.933+14484_933+14491del (NM_001364075.2); short protein forms H706fs, H883fs.
Identifiers: ClinVar variation 1364501 (VCV001364501.7), dbSNP rs2112500780, ClinGen allele CA2573139975.

ClinVar aggregate classification (germline): Pathogenic (1 of 4 stars; one submission).

Conditions:
Capillary malformation-arteriovenous malformation syndrome. Also called: Capillary malformation-arteriovenous malformation. Identifiers: Orphanet 137667, MedGen C1842180, MONDO:0012016.

Submission:

Labcorp Genetics (formerly Invitae), Labcorp
Classification: Pathogenic for Capillary malformation-arteriovenous malformation syndrome. Last evaluated: 2022-04-11. Review status: criteria provided, single submitter. Criteria: Invitae Variant Classification Sherloc (09022015). Collection method: clinical testing. Allele origin: germline.
Comment: For these reasons, this variant has been classified as Pathogenic. This variant has not been reported in the literature in individuals affected with RASA1-related conditions. This variant is not present in population databases (gnomAD no frequency). This sequence change creates a premature translational stop signal (p.His883Profs*12) in the RASA1 gene. It is expected to result in an absent or disrupted protein product. Loss-of-function variants in RASA1 are known to be pathogenic (PMID: 24038909).

Literature cited by the submitters: PubMed 24038909.